The following is an entry in ClinVar:

NM_194248.3(OTOF):c.3704_3719del (p.Asp1235fs)

Gene: OTOF (otoferlin; minus strand). Cytogenetic location: 2p23.3.
Variant type: Deletion.
Coding change: c.3704_3719del on transcript NM_194248.3 (MANE Select); coding-DNA positions 3704 to 3719, 16 bases deleted (ACCGCTCGGCCCCCAG).
Protein change: p.Asp1235fs; shifts the reading frame from aspartic acid 1235.
Molecular consequence: frameshift variant.
Genome position (GRCh38, 1-based): chr2:26,473,146-26,473,161, CTGGGGGCCGAGCGGT deleted on the plus strand (ACCGCTCGGCCCCCAG on the coding strand, the reverse complement: OTOF is on the minus strand); deleting any 16 consecutive bases within chr2:26,473,146-26,473,171 gives the same sequence; the c. name uses the placement nearest the transcript's 3' end. VCF-style (leftmost placement, unchanged base first): chr2-26473145-GCTGGGGGCCGAGCGGT-G. GRCh37 (hg19) VCF-style: chr2-26696013-GCTGGGGGCCGAGCGGT-G.
Other names: c.3704_3719del, p.Asp1235fs (NM_001287489.2); c.1463_1478del, p.Asp488fs (NM_004802.4, NM_194323.3); c.1634_1649del, p.Asp545fs (NM_194322.3); short protein forms D1235fs, D488fs, D545fs.
Identifiers: ClinVar variation 4879944 (VCV004879944.1).

ClinVar aggregate classification (germline): Pathogenic (0 of 4 stars; one submission).

Conditions:
Autosomal recessive nonsyndromic hearing loss 9. Also called: NEUROSENSORY NONSYNDROMIC RECESSIVE DEAFNESS 9; OTOF-Related Hearing Loss; Deafness, autosomal recessive 9; AUDITORY NEUROPATHY, AUTOSOMAL RECESSIVE, 1, TEMPERATURE-SENSITIVE. Identifiers: Orphanet 90636, MedGen C1832828, MONDO:0010986, OMIM 601071.

Submission:

Diagnosis and Treatment Center of Genetic Hearing Loss, Eye & ENT Hospital of Fudan University
Classification: Pathogenic for Autosomal recessive nonsyndromic hearing loss 9. Last evaluated: 2026-02-04. Review status: no assertion criteria provided. Collection method: clinical testing. Allele origin: germline. Inheritance: Autosomal recessive inheritance. Affected: yes.
Comment: The c.3704_3719del variant in OTOF is a frameshift deletion in exon 29, leading to a premature stop codon at amino acid 1235 and predicted NMD (PVS1). It is absent from population databases (PM2_Supporting). It has been reported in at least two patients (PMID: 35884828). The phenotype is consistent with auditory neuropathy (PP4).